The following is an entry in ClinVar:

ClinVar aggregate classification (germline): Likely pathogenic (1 of 4 stars; one submission).

Conditions:
Primary ciliary dyskinesia. Also called: Ciliary dyskinesia. Identifiers: Orphanet 244, MedGen C0008780, MONDO:0016575, HP:0012265.

Allele frequency attached by ClinVar (database versions not stated): gnomAD exomes 0.00001; TOPMed below 0.00001; ExAC 0.00001; gnomAD 0.00001.

Submission:

Labcorp Genetics (formerly Invitae), Labcorp
Classification: Likely pathogenic for Primary ciliary dyskinesia. Last evaluated: 2023-07-12. Review status: criteria provided, single submitter. Criteria: Invitae Variant Classification Sherloc (09022015). Collection method: clinical testing. Allele origin: germline.
Comment: This sequence change affects an acceptor splice site in intron 8 of the DRC1 gene. It is expected to disrupt RNA splicing. Variants that disrupt the donor or acceptor splice site typically lead to a loss of protein function (PMID: 16199547), and loss-of-function variants in DRC1 are known to be pathogenic (PMID: 23354437, 31960620). This variant is present in population databases (rs745800344, gnomAD 0.002%). This variant has not been reported in the literature in individuals affected with DRC1-related conditions. ClinVar contains an entry for this variant (Variation ID: 454974). Algorithms developed to predict the effect of sequence changes on RNA splicing suggest that this variant may disrupt the consensus splice site. In summary, the currently available evidence indicates that the variant is pathogenic, but additional data are needed to prove that conclusively. Therefore, this variant has been classified as Likely Pathogenic.

Literature cited by the submitters: PubMed 16199547; PubMed 23354437; PubMed 31960620.

NM_145038.5(DRC1):c.1029-1G>T

Gene: DRC1 (dynein regulatory complex subunit 1; plus strand). Cytogenetic location: 2p23.3.
Variant type: single nucleotide variant.
Coding change: c.1029-1G>T on transcript NM_145038.5 (MANE Select); the canonical splice acceptor site of the intron before coding-DNA position 1029, G replaced by T.
Molecular consequence: splice acceptor variant.
Genome position (GRCh38, 1-based): chr2:26,444,221, G>T. VCF-style: chr2-26444221-G-T. GRCh37 (hg19) VCF-style: chr2-26667089-G-T.
Identifiers: ClinVar variation 454974 (VCV000454974.7), dbSNP rs745800344, ClinGen allele CA1562122.
Genomic context (GRCh38, chr2:26,444,221, plus strand): 5'-AGAGGAACATACATAATACCTTCTATTCAGCTGCAGACTAACCTTTTTCTCCTTCAACCA[G>T]CCTGCATGATATACTTAACAATCTGAGATCAAAATATGCCAAGCAAATAAAGCAGTTTCA-3'